The following is an entry in ClinVar:

ClinVar aggregate classification (germline): Conflicting classifications of pathogenicity. Review status: criteria provided, conflicting classifications (1 of 4 stars). 11 submissions from 11 submitters: Uncertain significance (1); Benign (2); Likely benign (6). 2 of the submissions do not count toward it. Last evaluated 2026-08-01.

Conditions:
ADGRV1-related disorder. Also called: ADGRV1-related disorders; ADGRV1-related condition.
Usher syndrome type 2C. Also called: Usher syndrome, type 2B; USHER SYNDROME, TYPE IIC. Identifiers: Orphanet 231178, Orphanet 886, MedGen C2931213, MONDO:0011558, OMIM 605472.
Febrile seizures, familial, 4 (FEB4). Also called: CONVULSIONS, FAMILIAL FEBRILE, 4. Identifiers: MedGen C1858493, MONDO:0011443, OMIM 604352.
Intellectual disability. Also called: Intellectual developmental disorder; Intellectual functioning disability; intellectual disabilities. Identifiers: MedGen C3714756, MeSH D008607, MONDO:0001071, HP:0001249.

Allele frequency attached by ClinVar (database versions not stated): TOPMed 0.00171; ESP Exome Variant Server 0.00199; 1000 Genomes Project 30x 0.00281; ExAC 0.00219; gnomAD 0.00195 and 0.00189; gnomAD exomes 0.00205; 1000 Genomes Project 0.00240.
gnomAD v4.1: 3,383 of 1,613,952 alleles (0.21%); highest among the groups gnomAD compares: Admixed American, 0.3%; 7 homozygotes.

Submissions (11):

CeGaT Center for Human Genetics Tuebingen
Classification: Likely benign. Last evaluated: 2026-08-01. Review status: criteria provided, single submitter. Criteria: CeGaT Center For Human Genetics Tuebingen Variant Classification Criteria Version 2. Collection method: clinical testing. Allele origin: germline. Affected: yes. Observed: 8 variant alleles.
Comment: ADGRV1: BP4, BS2

Labcorp Genetics (formerly Invitae), Labcorp
Classification: Likely benign. Last evaluated: 2026-02-02. Review status: criteria provided, single submitter. Criteria: Invitae Variant Classification Sherloc (09022015). Collection method: clinical testing. Allele origin: germline.

Illumina Laboratory Services, Illumina
Classification: Benign for Usher syndrome type 2C. Last evaluated: 2025-04-08. Review status: criteria provided, single submitter. Criteria: ICSLVariantClassificationCriteria RUGD 01 April 2020. Collection method: clinical testing. Allele origin: unknown.

Blueprint Genetics
Classification: Likely benign. Last evaluated: 2024-11-21. Review status: criteria provided, single submitter. Criteria: ACMG Guidelines, 2015. Collection method: clinical testing. Allele origin: germline.

Athena Diagnostics
Classification: Benign. Last evaluated: 2024-04-12. Review status: criteria provided, single submitter. Criteria: Athena Diagnostics Criteria. Collection method: clinical testing. Allele origin: unknown.

GeneDx
Classification: Likely benign. Last evaluated: 2020-10-19. Review status: criteria provided, single submitter. Criteria: GeneDx Variant Classification Process June 2021. Collection method: clinical testing. Allele origin: germline. Affected: yes.
Comment: This variant is associated with the following publications: (PMID: 23804846, 30180840, 22334370)

Cambridge Genomics Laboratory, East Genomic Laboratory Hub, NHS Genomic Medicine Service
Classification: Uncertain significance for Intellectual disability. Last evaluated: 2019-11-13. Review status: criteria provided, single submitter. Criteria: ACGS Best Practice Guidelines for Variant Classification in Rare Disease 2020. Collection method: clinical testing. Allele origin: germline. Affected: yes. Observed: 1 variant allele.

Laboratory for Molecular Medicine, Mass General Brigham Personalized Medicine
Classification: Likely benign. Last evaluated: 2017-12-21. Review status: criteria provided, single submitter. Criteria: LMM Criteria. Collection method: clinical testing. Allele origin: germline. Observed: 7 variant alleles.
Comment: p.Asp1051Tyr in exon 17 of ADGRV1: This variant is not expected to have clinical significance because it has been identified in 0.29% (369/126480) of European chromosomes and 0.31% (105/34414) of Latino chromosomes including 1 homozygote by the Genome Aggregation Database (gnomAD; db SNP rs145556097). ACMG/AMP criteria: BS1.

Eurofins Ntd Llc (ga)
Classification: Likely benign. Last evaluated: 2015-09-22. Review status: criteria provided, single submitter. Criteria: EGL Classification Definitions 2015. Collection method: clinical testing. Allele origin: germline. Observed: 1 variant allele, 1 heterozygote.

PreventionGenetics, part of Exact Sciences
Classification: Likely benign for ADGRV1-related condition. Last evaluated: 2019-10-24. Review status: no assertion criteria provided. Collection method: clinical testing. Allele origin: germline. Not counted in ClinVar's aggregate classification.
Comment: This variant is classified as likely benign based on ACMG/AMP sequence variant interpretation guidelines (Richards et al. 2015 PMID: 25741868, with internal and published modifications).

Genetic Services Laboratory, University of Chicago
Classification: Uncertain significance for Febrile seizures, familial, 4. Last evaluated: 2013-08-27. Review status: flagged submission. Criteria: ACMG Guidelines, 2007. Collection method: clinical testing. Allele origin: germline. Inheritance: Autosomal dominant inheritance. Not counted in ClinVar's aggregate classification.
ClinVar note: Reason: Older and outlier claim with insufficient supporting evidence

Literature cited by the submitters: PubMed 22334370 (cited by Athena Diagnostics and Laboratory for Molecular Medicine, Mass General Brigham Personalized Medicine); PubMed 30180840 (cited by Athena Diagnostics).

NM_032119.4(ADGRV1):c.3151G>T (p.Asp1051Tyr)

Gene: ADGRV1 (adhesion G protein-coupled receptor V1; plus strand). Cytogenetic location: 5q14.3.
Variant type: single nucleotide variant.
Coding change: c.3151G>T on transcript NM_032119.4 (MANE Select); coding-DNA position 3151, G replaced by T.
Protein change: p.Asp1051Tyr; replaces aspartic acid 1051 with tyrosine.
Molecular consequence: missense variant. On other transcripts: non-coding transcript variant (1).
Genome position (GRCh38, 1-based): chr5:90,647,626, G>T. VCF-style: chr5-90647626-G-T. GRCh37 (hg19) VCF-style: chr5-89943443-G-T.
Other names: short protein forms D1051Y.
Identifiers: ClinVar variation 46311 (VCV000046311.57), dbSNP rs145556097, ClinGen allele CA138096.
Genomic context (GRCh38, chr5:90,647,626, plus strand): 5'-GATGTGACTTGCATGGTCCAGTATGCTACCAAGGATGGGAAGGCTACTGCAAGAGAGAGA[G>T]ATTTCATTCCTGTTGAAAAAGGAGAAACGCTCATTTTTGAGGTTGGAAGTAGACAGCAGA-3'
Protein context (NP_115495.3, residues 1041-1061): KDGKATARER[Asp1051Tyr]FIPVEKGETL